The following is an entry in ClinVar:

ClinVar aggregate classification (germline): Uncertain significance (1 of 4 stars; one submission).

Conditions:
Charcot-Marie-Tooth disease dominant intermediate C (CMTDIC). Also called: CHARCOT-MARIE-TOOTH NEUROPATHY, DOMINANT INTERMEDIATE C. Identifiers: Orphanet 100045, MedGen C1842237, MONDO:0012012, OMIM 608323.

Allele frequency attached by ClinVar (database versions not stated): gnomAD 0.00001; TOPMed 0.00002.
gnomAD v4.1: 1 of 1,614,078 alleles (0.000062%); highest among the groups gnomAD compares: African/African-American, 0.0013%; no homozygotes.

Submission:

Labcorp Genetics (formerly Invitae), Labcorp
Classification: Uncertain significance for Charcot-Marie-Tooth disease dominant intermediate C. Last evaluated: 2024-10-21. Review status: criteria provided, single submitter. Criteria: Invitae Variant Classification Sherloc (09022015). Collection method: clinical testing. Allele origin: germline.
Comment: This sequence change replaces phenylalanine, which is neutral and non-polar, with cysteine, which is neutral and slightly polar, at codon 249 of the YARS protein (p.Phe249Cys). This variant is present in population databases (no rsID available, gnomAD 0.01%). This variant has not been reported in the literature in individuals affected with YARS-related conditions. ClinVar contains an entry for this variant (Variation ID: 464880). Invitae Evidence Modeling of protein sequence and biophysical properties (such as structural, functional, and spatial information, amino acid conservation, physicochemical variation, residue mobility, and thermodynamic stability) indicates that this missense variant is expected to disrupt YARS protein function with a positive predictive value of 80%. In summary, the available evidence is currently insufficient to determine the role of this variant in disease. Therefore, it has been classified as a Variant of Uncertain Significance.

NM_003680.4(YARS1):c.746T>G (p.Phe249Cys)

Genes: YARS1 (tyrosyl-tRNA synthetase 1; minus strand), LOC126805688 (BRD4-independent group 4 enhancer GRCh37_chr1:33251929-33253128; plus strand). Cytogenetic location: 1p35.1.
Variant type: single nucleotide variant.
Coding change: c.746T>G on transcript NM_003680.4 (MANE Select); coding-DNA position 746, T replaced by G.
Protein change: p.Phe249Cys; replaces phenylalanine 249 with cysteine.
Molecular consequence: missense variant.
Genome position (GRCh38, 1-based): chr1:32,787,014, A>C on the plus strand (T>G on the coding strand, the complement: YARS1 is on the minus strand). VCF-style: chr1-32787014-A-C. GRCh37 (hg19) VCF-style: chr1-33252615-A-C.
Other names: short protein forms F249C.
Identifiers: ClinVar variation 464880 (VCV000464880.7), dbSNP rs1009349245, ClinGen allele CA20279292.